The following is an entry in ClinVar:

ClinVar aggregate classification (germline): Uncertain significance. Review status: criteria provided, multiple submitters, no conflicts (2 of 4 stars). 2 submissions from 2 submitters: Uncertain significance (2). Last evaluated 2023-09-20.

Conditions:
Familial cancer of breast. Also called: BREAST CANCER, FAMILIAL; Hereditary breast cancer; hereditary breast carcinoma. Identifiers: Orphanet 227535, MedGen C0346153, MONDO:0016419, OMIM 114480. Disease mechanism: loss of function.
Hereditary cancer-predisposing syndrome. Also called: Neoplastic Syndromes, Hereditary; Tumor predisposition; Hereditary Cancer Syndrome; Hereditary neoplastic syndrome. Identifiers: Orphanet 140162, MedGen C0027672, MeSH D009386, MONDO:0015356.

Submissions (2):

Labcorp Genetics (formerly Invitae), Labcorp
Classification: Uncertain significance for Familial cancer of breast. Last evaluated: 2023-09-20. Review status: criteria provided, single submitter. Criteria: Invitae Variant Classification Sherloc (09022015). Collection method: clinical testing. Allele origin: germline.
Comment: This sequence change replaces proline, which is neutral and non-polar, with arginine, which is basic and polar, at codon 60 of the BARD1 protein (p.Pro60Arg). In summary, the available evidence is currently insufficient to determine the role of this variant in disease. Therefore, it has been classified as a Variant of Uncertain Significance. An algorithm developed to predict the effect of missense changes on protein structure and function (PolyPhen-2) suggests that this variant is likely to be disruptive. ClinVar contains an entry for this variant (Variation ID: 482824). This variant has not been reported in the literature in individuals affected with BARD1-related conditions. This variant is not present in population databases (gnomAD no frequency).

Ambry Genetics
Classification: Uncertain significance for Hereditary cancer-predisposing syndrome. Last evaluated: 2023-07-07. Review status: criteria provided, single submitter. Criteria: Ambry Variant Classification Scheme 2023. Collection method: clinical testing. Allele origin: germline.
Comment: The p.P60R variant (also known as c.179C>G), located in coding exon 2 of the BARD1 gene, results from a C to G substitution at nucleotide position 179. The proline at codon 60 is replaced by arginine, an amino acid with dissimilar properties. This amino acid position is highly conserved in available vertebrate species. In addition, this alteration is predicted to be deleterious by in silico analysis. Since supporting evidence is limited at this time, the clinical significance of this alteration remains unclear.

NM_000465.4(BARD1):c.179C>G (p.Pro60Arg)

Gene: BARD1 (BRCA1 associated RING domain 1; minus strand). Cytogenetic location: 2q35.
Variant type: single nucleotide variant.
Coding change: c.179C>G on transcript NM_000465.4 (MANE Select); coding-DNA position 179, C replaced by G.
Protein change: p.Pro60Arg; replaces proline 60 with arginine.
Molecular consequence: missense variant. On other transcripts: non-coding transcript variant (2), intron variant (2).
Genome position (GRCh38, 1-based): chr2:214,797,097, G>C on the plus strand (C>G on the coding strand, the complement: BARD1 is on the minus strand). VCF-style: chr2-214797097-G-C. GRCh37 (hg19) VCF-style: chr2-215661821-G-C.
Other names: c.179C>G, p.Pro60Arg (NM_001282545.2, NM_001282549.2); c.158+12315C>G (NM_001282548.2); c.159-4652C>G (NM_001282543.2); short protein forms P60R.
Identifiers: ClinVar variation 482824 (VCV000482824.9), dbSNP rs1553625768, ClinGen allele CA350462277.